The following is an entry in ClinVar:

NM_001283009.2(RTEL1):c.3503C>T (p.Pro1168Leu)

Genes: RTEL1 (regulator of telomere elongation helicase 1; plus strand), RTEL1-TNFRSF6B (RTEL1-TNFRSF6B readthrough (NMD candidate); plus strand). Cytogenetic location: 20q13.33.
Variant type: single nucleotide variant.
Coding change: c.3503C>T on transcript NM_001283009.2 (MANE Select); coding-DNA position 3503, C replaced by T.
Protein change: p.Pro1168Leu; replaces proline 1168 with leucine.
Molecular consequence: missense variant. On other transcripts: non-coding transcript variant (1).
Genome position (GRCh38, 1-based): chr20:63,695,331, C>T. VCF-style: chr20-63695331-C-T. GRCh37 (hg19) VCF-style: chr20-62326684-C-T.
Other names: c.2834C>T, p.Pro945Leu (NM_001283010.1); c.3503C>T, p.Pro1168Leu (NM_016434.4); c.3575C>T, p.Pro1192Leu (NM_032957.5); short protein forms P1192L, P945L, P1168L.
Identifiers: ClinVar variation 1345161 (VCV001345161.5), dbSNP rs376829126, ClinGen allele CA9966097.

ClinVar aggregate classification (germline): Uncertain significance. Review status: criteria provided, multiple submitters, no conflicts (2 of 4 stars). 2 submissions from 2 submitters: Uncertain significance (2). Last evaluated 2025-06-30.

Conditions:
Inborn genetic diseases. Identifiers: MedGen C0950123, MeSH D030342.
Pulmonary fibrosis and/or bone marrow failure, Telomere-related, 3. Also called: PULMONARY FIBROSIS AND/OR BONE MARROW FAILURE SYNDROME, TELOMERE-RELATED, 3. Identifiers: Orphanet 2032, MedGen C4225346, MONDO:0014613, OMIM 616373.
Dyskeratosis congenita, autosomal recessive 5 (DKCB5). Identifiers: MedGen C3554656, MONDO:0014076, OMIM 615190.

Allele frequency attached by ClinVar (database versions not stated): gnomAD 0.00003 and 0.00007; gnomAD exomes below 0.00001; ExAC 0.00001; TOPMed 0.00002.
gnomAD v4.1: 14 of 1,560,210 alleles (0.0009%); highest among the groups gnomAD compares: African/African-American, 0.0095%; no homozygotes.

Submissions (2):

Labcorp Genetics (formerly Invitae), Labcorp
Classification: Uncertain significance for Dyskeratosis congenita, autosomal recessive 5; Pulmonary fibrosis and/or bone marrow failure, Telomere-related, 3. Last evaluated: 2025-06-30. Review status: criteria provided, single submitter. Criteria: Invitae Variant Classification Sherloc (09022015). Collection method: clinical testing. Allele origin: germline.
Comment: This sequence change replaces proline, which is neutral and non-polar, with leucine, which is neutral and non-polar, at codon 1168 of the RTEL1 protein (p.Pro1168Leu). This variant is present in population databases (rs376829126, gnomAD 0.007%). This variant has not been reported in the literature in individuals affected with RTEL1-related conditions. ClinVar contains an entry for this variant (Variation ID: 1345161). An algorithm developed to predict the effect of missense changes on protein structure and function outputs the following: PolyPhen-2: "Benign". The leucine amino acid residue is found in multiple mammalian species, which suggests that this missense change does not adversely affect protein function. In summary, the available evidence is currently insufficient to determine the role of this variant in disease. Therefore, it has been classified as a Variant of Uncertain Significance.

Ambry Genetics
Classification: Uncertain significance for Inborn genetic diseases. Last evaluated: 2025-01-07. Review status: criteria provided, single submitter. Criteria: Ambry Variant Classification Scheme 2023. Collection method: clinical testing. Allele origin: germline.
Comment: The p.P1168L variant (also known as c.3503C>T), located in coding exon 33 of the RTEL1 gene, results from a C to T substitution at nucleotide position 3503. The proline at codon 1168 is replaced by leucine, an amino acid with similar properties. This amino acid position is conserved. In addition, this alteration is predicted to be tolerated by in silico analysis. Based on the available evidence, the clinical significance of this variant remains unclear.